The following is an entry in ClinVar:

NM_032581.4(HYCC1):c.150_151dup (p.Glu51fs)

Gene: HYCC1 (hyccin PI4KA lipid kinase complex subunit 1; minus strand). Cytogenetic location: 7p15.3.
Variant type: Duplication.
Coding change: c.150_151dup on transcript NM_032581.4 (MANE Select); coding-DNA positions 150 to 151, 2 bases duplicated (TG; older notation c.150_151dupTG).
Protein change: p.Glu51fs; shifts the reading frame from glutamic acid 51.
Molecular consequence: frameshift variant.
Genome position (GRCh38, 1-based): chr7:22,983,946-22,983,947, CA duplicated on the plus strand (TG on the coding strand, the reverse complement: HYCC1 is on the minus strand); duplicating any 2 consecutive bases within chr7:22,983,946-22,983,948 gives the same sequence; the c. name uses the placement nearest the transcript's 3' end. VCF-style (leftmost placement, unchanged base first): chr7-22983945-T-TCA. GRCh37 (hg19) VCF-style: chr7-23023564-T-TCA.
Other names: c.150_151dup, p.Glu51fs (NM_001363467.2, NM_001363466.2); short protein forms E51fs.
Identifiers: ClinVar variation 1199229 (VCV001199229.5), dbSNP rs755869015, ClinGen allele CA4186101.

ClinVar aggregate classification (germline): Pathogenic/Likely pathogenic. Review status: criteria provided, multiple submitters, no conflicts (2 of 4 stars). 2 submissions from 2 submitters: Pathogenic (1); Likely pathogenic (1). Last evaluated 2026-01-28.

Conditions:
Hypomyelination and Congenital Cataract (HLD5). Also called: hypomyelinating leukodystrophy 5. Identifiers: Orphanet 85163, MedGen C1864663, MONDO:0012514, OMIM 610532.

Submissions (2):

Labcorp Genetics (formerly Invitae), Labcorp
Classification: Pathogenic for Hypomyelination and Congenital Cataract. Last evaluated: 2026-01-28. Review status: criteria provided, single submitter. Criteria: Invitae Variant Classification Sherloc (09022015). Collection method: clinical testing. Allele origin: germline.
Comment: This sequence change creates a premature translational stop signal (p.Glu51Valfs*4) in the FAM126A gene. It is expected to result in an absent or disrupted protein product. Loss-of-function variants in FAM126A are known to be pathogenic (PMID: 21911699, 22749724, 23998934). This variant is present in population databases (rs755869015, gnomAD 0.0009%). This variant has not been reported in the literature in individuals affected with FAM126A-related conditions. ClinVar contains an entry for this variant (Variation ID: 1199229). For these reasons, this variant has been classified as Pathogenic.

Illumina Laboratory Services, Illumina
Classification: Likely pathogenic for Hypomyelination and Congenital Cataract. Last evaluated: 2020-12-22. Review status: criteria provided, single submitter. Criteria: ICSLVariantClassificationCriteria RUGD 01 April 2020. Collection method: clinical testing. Allele origin: unknown.
Comment: The FAM126A c.150_151dupTG (p.Glu51ValfsTer4) variant results in a frameshift and is predicted to result in a premature truncation of the protein. A literature search was performed for the gene, cDNA change, and amino acid change. No publications were found based on this search. The p.Glu51ValfsTer4 variant is reported at a frequency of 0.000009 in the European (non-Finnish) population of the Genome Aggregation Database, though this is based on one allele in a region of good sequence coverage so the variant is presumed to be rare. Based on the predicted truncating nature of the variant and its rarity, the p.Glu51ValfsTer4 variant is classified as likely pathogenic for hypomyelination and congenital cataract.

Literature cited by the submitters: PubMed 21911699 (cited by Labcorp Genetics (formerly Invitae), Labcorp); PubMed 22749724 (cited by Labcorp Genetics (formerly Invitae), Labcorp); PubMed 23998934 (cited by Labcorp Genetics (formerly Invitae), Labcorp).